The following is an entry in ClinVar:

ClinVar aggregate classification (germline): Uncertain significance (1 of 4 stars; one submission).

Conditions:
Inborn genetic diseases. Identifiers: MedGen C0950123, MeSH D030342.

gnomAD v4.1: 2 of 1,610,746 alleles (0.00012%); highest among the groups gnomAD compares: Non-Finnish European, 0.00017%; no homozygotes.

Submission:

Ambry Genetics
Classification: Uncertain significance for Inborn genetic diseases. Last evaluated: 2025-08-09. Review status: criteria provided, single submitter. Criteria: Ambry Variant Classification Scheme 2023. Collection method: clinical testing. Allele origin: germline.
Comment: The p.S303Y variant (also known as c.908C>A), located in coding exon 9 of the RTEL1 gene, results from a C to A substitution at nucleotide position 908. The serine at codon 303 is replaced by tyrosine, an amino acid with dissimilar properties. This amino acid position is conserved. In addition, this alteration is predicted to be tolerated by in silico analysis. Based on the available evidence, the clinical significance of this variant remains unclear.

NM_001283009.2(RTEL1):c.908C>A (p.Ser303Tyr)

Genes: RTEL1 (regulator of telomere elongation helicase 1; plus strand), RTEL1-TNFRSF6B (RTEL1-TNFRSF6B readthrough (NMD candidate); plus strand). Cytogenetic location: 20q13.33.
Variant type: single nucleotide variant.
Coding change: c.908C>A on transcript NM_001283009.2 (MANE Select); coding-DNA position 908, C replaced by A.
Protein change: p.Ser303Tyr; replaces serine 303 with tyrosine.
Molecular consequence: missense variant. On other transcripts: non-coding transcript variant (1).
Genome position (GRCh38, 1-based): chr20:63,674,082, C>A. VCF-style: chr20-63674082-C-A. GRCh37 (hg19) VCF-style: chr20-62305435-C-A.
Other names: c.239C>A, p.Ser80Tyr (NM_001283010.1); c.908C>A, p.Ser303Tyr (NM_016434.4); c.980C>A, p.Ser327Tyr (NM_032957.5); short protein forms S327Y, S303Y, S80Y.
Identifiers: ClinVar variation 4157648 (VCV004157648.1).
Genomic context (GRCh38, chr20:63,674,082, plus strand): 5'-TGGAGGAGCAGACCAAGGCAGCGCAGCAGGGTGAGCCCCACCCGGAGTTCAGCGCGGACT[C>A]CCCCAGCCCAGGTGCGTTCATAGCCAGACTGCTTGGTCCTGAGGCCTGCGCTGCTGCAGG-3'
Protein context (NP_001269938.1, residues 293-313): GEPHPEFSAD[Ser303Tyr]PSPGLNMELE